The following is an entry in ClinVar:

NM_005022.4(PFN1):c.68T>G (p.Val23Gly)

Gene: PFN1 (profilin 1; minus strand). Cytogenetic location: 17p13.2.
Variant type: single nucleotide variant.
Coding change: c.68T>G on transcript NM_005022.4 (MANE Select); coding-DNA position 68, T replaced by G.
Protein change: p.Val23Gly; replaces valine 23 with glycine.
Molecular consequence: missense variant.
Genome position (GRCh38, 1-based): chr17:4,948,327, A>C on the plus strand (T>G on the coding strand, the complement: PFN1 is on the minus strand). VCF-style: chr17-4948327-A-C. GRCh37 (hg19) VCF-style: chr17-4851622-A-C.
Other names: c.68T>G, p.Val23Gly (NM_001375991.1); short protein forms V23G.
Identifiers: ClinVar variation 1352594 (VCV001352594.8), dbSNP rs2151136136, ClinGen allele CA397277499.

ClinVar aggregate classification (germline): Uncertain significance (1 of 4 stars; one submission).

Submission:

Labcorp Genetics (formerly Invitae), Labcorp
Classification: Uncertain significance. Last evaluated: 2021-05-10. Review status: criteria provided, single submitter. Criteria: Invitae Variant Classification Sherloc (09022015). Collection method: clinical testing. Allele origin: germline.
Comment: In summary, the available evidence is currently insufficient to determine the role of this variant in disease. Therefore, it has been classified as a Variant of Uncertain Significance. This variant is not present in population databases (ExAC no frequency). This sequence change replaces valine with glycine at codon 23 of the PFN1 protein (p.Val23Gly). The valine residue is highly conserved and there is a moderate physicochemical difference between valine and glycine. This variant has not been reported in the literature in individuals with PFN1-related conditions. Algorithms developed to predict the effect of missense changes on protein structure and function are either unavailable or do not agree on the potential impact of this missense change (SIFT: "Deleterious"; PolyPhen-2: "Probably Damaging"; Align-GVGD: "Class C0").